The following is an entry in ClinVar:

ClinVar aggregate classification (germline): Uncertain significance (1 of 4 stars; one submission).

Conditions:
Cardiovascular phenotype. Identifiers: MedGen CN230736.

Allele frequency attached by ClinVar (database versions not stated): TOPMed below 0.00001; ESP Exome Variant Server 0.00008.

Submission:

Ambry Genetics
Classification: Uncertain significance for Cardiovascular phenotype. Last evaluated: 2022-08-20. Review status: criteria provided, single submitter. Criteria: Ambry Variant Classification Scheme 2023. Collection method: clinical testing. Allele origin: germline.
Comment: The p.G2083R variant (also known as c.6247G>A), located in coding exon 38 of the ANK2 gene, results from a G to A substitution at nucleotide position 6247. The glycine at codon 2083 is replaced by arginine, an amino acid with dissimilar properties. This amino acid position is conserved. In addition, this alteration is predicted to be tolerated by in silico analysis. Since supporting evidence is limited at this time, the clinical significance of this alteration remains unclear.

NM_001148.6(ANK2):c.6247G>A (p.Gly2083Arg)

Genes: ANK2 (ankyrin 2; plus strand), LOC126807136 (MED14-independent group 3 enhancer GRCh37_chr4:114274931-114276130; plus strand). Cytogenetic location: 4q26.
Variant type: single nucleotide variant.
Coding change: c.6247G>A on transcript NM_001148.6 (MANE Select); coding-DNA position 6247, G replaced by A.
Protein change: p.Gly2083Arg; replaces glycine 2083 with arginine.
Molecular consequence: missense variant. On other transcripts: intron variant (68).
Genome position (GRCh38, 1-based): chr4:113,354,865, G>A. VCF-style: chr4-113354865-G-A. GRCh37 (hg19) VCF-style: chr4-114276021-G-A.
Other names: c.4327+4616G>A (NM_001354228.2, NM_001354258.2); c.4264+4616G>A (NM_001354245.2, NM_001354262.2, NM_001354275.2); c.4228+4616G>A (NM_001354268.2); c.4126+4616G>A (NM_001354273.2); c.4426+4616G>A (NM_020977.5); c.4483+4616G>A (NM_001386152.1); c.4504+4616G>A (NM_001354237.2); c.4405+4616G>A (NM_001354230.2); and 35 more; short protein forms G2122R, G883R, G2005R, G2083R, G2130R.
Identifiers: ClinVar variation 1752405 (VCV001752405.2), dbSNP rs138601687, ClinGen allele CA103813301.
Genomic context (GRCh38, chr4:113,354,865, plus strand): 5'-GAATCCAAAAGAGGAGTTCGTGTTTCCTCCATAGGAGTTAAGAAAGAAGATGCAGCTGGA[G>A]GAAAGGAGAAAGTTCTCAGCCACAAAATACCTGAACCTGTTCAGTCAGTGCCTGAAGAAG-3'
Protein context (NP_001139.3, residues 2073-2093): IGVKKEDAAG[Gly2083Arg]KEKVLSHKIP